The following is an entry in ClinVar:

ClinVar aggregate classification (germline): Likely benign. Review status: criteria provided, multiple submitters, no conflicts (2 of 4 stars). 2 submissions from 2 submitters: Likely benign (2). Last evaluated 2026-05-13.

Conditions:
DNMT3A-related disorder. Also called: DNMT3A-related disorders; DNMT3A-related condition.

gnomAD v4.1: 4 of 1,585,552 alleles (0.00025%); highest among the groups gnomAD compares: East Asian, 0.0046%; no homozygotes.

Submissions (2):

PreventionGenetics, part of Exact Sciences
Classification: Likely benign for DNMT3A-related condition. Last evaluated: 2026-05-13. Review status: criteria provided, single submitter. Criteria: ACMG Guidelines, 2015. Collection method: clinical testing. Allele origin: germline.
Comment: This variant is classified as likely benign based on ACMG/AMP sequence variant interpretation guidelines (Richards et al. 2015 PMID: 25741868, with internal and published modifications).

Blueprint Genetics
Classification: Likely benign. Last evaluated: 2023-09-27. Review status: criteria provided, single submitter. Criteria: ACMG Guidelines, 2015. Collection method: clinical testing. Allele origin: germline.

NM_022552.5(DNMT3A):c.504C>T (p.Gly168=)

Gene: DNMT3A (DNA methyltransferase 3 alpha; minus strand). Cytogenetic location: 2p23.3.
Variant type: single nucleotide variant.
Coding change: c.504C>T on transcript NM_022552.5 (MANE Select); coding-DNA position 504, C replaced by T.
Protein change: p.Gly168=; no amino-acid change (glycine 168 retained).
Molecular consequence: synonymous variant. On other transcripts: non-coding transcript variant (1).
Genome position (GRCh38, 1-based): chr2:25,275,076, G>A on the plus strand (C>T on the coding strand, the complement: DNMT3A is on the minus strand). VCF-style: chr2-25275076-G-A. GRCh37 (hg19) VCF-style: chr2-25497945-G-A.
Other names: c.504C>T, p.Gly168= (NM_175629.2).
Identifiers: ClinVar variation 4953991 (VCV004953991.2).
Genomic context (GRCh38, chr2:25,275,076, plus strand): 5'-GAGCCTCGGCATGGGCCGCTGACGGAGGCTGGACTCCCAGCCCAAGCCACCCCGCAGCCG[G>A]CCCCGGGAGCCCTAGGACAGAGAGACAGACATTAGGGCATTAGGGTGGGCACTGACGGAC-3'
Protein context (NP_072046.2, residues 158-178): IESMKMEGSR[Gly168=]RLRGGLGWES